The following is an entry in ClinVar:

NC_000013.11:g.48303686G>A

Genes: RB1 (RB transcriptional corepressor 1; plus strand), RB1-DT (RB1 divergent transcript; minus strand). Cytogenetic location: 13q14.2.
Variant type: single nucleotide variant.
Molecular consequence: non-coding transcript variant (on NR_046414.2).
Genome position: GRCh38 VCF-style: chr13-48303686-G-A. GRCh37 (hg19) VCF-style: chr13-48877822-G-A.
Identifiers: ClinVar variation 3666707 (VCV003666707.2).

ClinVar aggregate classification (germline): Uncertain significance (1 of 4 stars; one submission).

Conditions:
Retinoblastoma (RB1). Also called: RETINOBLASTOMA, SOMATIC. Identifiers: Orphanet 790, MedGen C0035335, MeSH D012175, MONDO:0008380, OMIM 180200, HP:0009919. Disease mechanism: loss of function. Inheritance: Both sporadic and heritable forms are tested..

Submission:

Labcorp Genetics (formerly Invitae), Labcorp
Classification: Uncertain significance for Retinoblastoma. Last evaluated: 2025-06-08. Review status: criteria provided, single submitter. Criteria: Invitae Variant Classification Sherloc (09022015). Collection method: clinical testing. Allele origin: germline.
Comment: This variant occurs in a non-coding region of the RB1 gene. It does not change the encoded amino acid sequence of the RB1 protein. This variant is not present in population databases (gnomAD no frequency). This variant has not been reported in the literature in individuals affected with RB1-related conditions. Experimental studies and prediction algorithms are not available or were not evaluated, and the functional significance of this variant is currently unknown. In summary, the available evidence is currently insufficient to determine the role of this variant in disease. Therefore, it has been classified as a Variant of Uncertain Significance.